The following is an entry in ClinVar:

NM_001394334.1(SNURF):c.72A>G (p.Gln24=)

Genes: SNHG14 (small nucleolar RNA host gene 14; plus strand), SNRPN (small nuclear ribonucleoprotein polypeptide N; plus strand), SNURF (SNRPN upstream open reading frame; plus strand). Cytogenetic location: 15q11.2.
Variant type: single nucleotide variant.
Coding change: c.72A>G on transcript NM_001394334.1 (MANE Select); coding-DNA position 72, A replaced by G.
Protein change: p.Gln24=; no amino-acid change (glutamine 24 retained).
Molecular consequence: synonymous variant. On other transcripts: 5 prime UTR variant (109), intron variant (3), non-coding transcript variant (1).
Genome position (GRCh38, 1-based): chr15:24,962,171, A>G. VCF-style: chr15-24962171-A-G. GRCh37 (hg19) VCF-style: chr15-25207318-A-G.
Other names: c.-333A>G (NM_001349458.2, NM_001349459.2, NM_001349460.2 and 80 more transcripts); c.-457A>G (NM_001349463.2, NM_001400696.1); c.-503A>G (NM_001378249.1); c.-491A>G (NM_001378251.1, NM_001378253.1); c.-637A>G (NM_001378252.1); c.-761A>G (NM_001378254.1); c.-486A>G (NM_001378255.1); c.-211A>G (NM_001378256.1, NM_001378257.1, NM_001400767.1); and 11 more.
Identifiers: ClinVar variation 4085031 (VCV004085031.8).

ClinVar aggregate classification (germline): Likely benign (1 of 4 stars; one submission).

gnomAD v4.1: 4 of 1,614,050 alleles (0.00025%); highest among the groups gnomAD compares: African/African-American, 0.004%; no homozygotes.

Submission:

CeGaT Center for Human Genetics Tuebingen
Classification: Likely benign. Last evaluated: 2025-08-01. Review status: criteria provided, single submitter. Criteria: CeGaT Center For Human Genetics Tuebingen Variant Classification Criteria Version 2. Collection method: clinical testing. Allele origin: germline. Affected: yes. Observed: 1 variant allele.
Comment: SNURF: BP4, BP7